The following is an entry in ClinVar:

NC_000004.11:g.(?_493125)_(663896_?)del

Genes: PDE6B (phosphodiesterase 6B; plus strand), PIGG (phosphatidylinositol glycan anchor biosynthesis class G (EMM blood group); plus strand), ZNF721 (zinc finger protein 721; minus strand). Cytogenetic location: 4p16.3.
Variant type: Deletion.
Identifiers: ClinVar variation 2423747 (VCV002423747.5).

ClinVar aggregate classification (germline): Pathogenic (1 of 4 stars; one submission).

Conditions:
Intellectual disability, autosomal recessive 53 (NEDHSCA). Also called: GLYCOSYLPHOSPHATIDYLINOSITOL BIOSYNTHESIS DEFECT 13; Mental retardation, autosomal recessive 53; NEURODEVELOPMENTAL DISORDER WITH OR WITHOUT HYPOTONIA, SEIZURES, AND CEREBELLAR ATROPHY. Identifiers: Orphanet 488635, MedGen C4310794, MONDO:0014832, OMIM 616917.

Submission:

Labcorp Genetics (formerly Invitae), Labcorp
Classification: Pathogenic for Intellectual disability, autosomal recessive 53. Last evaluated: 2022-09-27. Review status: criteria provided, single submitter. Criteria: Invitae Variant Classification Sherloc (09022015). Collection method: clinical testing. Allele origin: germline.
Comment: A gross deletion of the genomic region encompassing the full coding sequence of the PIGG gene has been identified. Loss-of-function variants in PIGG are known to be pathogenic (PMID: 26996948, 28581210, 28771251). The boundaries of this event are unknown as they extend beyond the assayed region for this gene and therefore may encompass additional genes. Isolated whole-gene deletions of PIGG have not been reported in the literature. However, larger copy number events that include this gene have been reported (PMID: 26996948). For these reasons, this variant has been classified as Pathogenic.

Literature cited by the submitters: PubMed 26996948; PubMed 28581210; PubMed 28771251.